The following is an entry in ClinVar:

ClinVar aggregate classification (germline): Conflicting classifications of pathogenicity. Review status: criteria provided, conflicting classifications (1 of 4 stars). 4 submissions from 4 submitters: Uncertain significance (3); Likely benign (1). Last evaluated 2026-07-13.

Conditions:
Autosomal recessive limb-girdle muscular dystrophy type 2J (LGMDR10). Also called: Limb-girdle muscular dystrophy, type 2J; MUSCULAR DYSTROPHY, LIMB-GIRDLE, AUTOSOMAL RECESSIVE 10. Identifiers: Orphanet 140922, MedGen C1837342, MONDO:0012127, OMIM 608807.
Dilated cardiomyopathy 1G (CMD1G). Identifiers: Orphanet 154, MedGen C1858763, MONDO:0011400, OMIM 604145.
TTN-related disorder. Also called: TTN-related condition; TTN-related disease; TTN-related disorders.

Allele frequency attached by ClinVar (database versions not stated): gnomAD 0.00001 and 0.00002; TOPMed 0.00001; ExAC 0.00002.
gnomAD v4.1: 7 of 1,613,610 alleles (0.00043%); highest among the groups gnomAD compares: Admixed American, 0.0033%; no homozygotes.

Submissions (4):

PreventionGenetics, part of Exact Sciences
Classification: Uncertain significance for TTN-related condition. Last evaluated: 2026-07-13. Review status: criteria provided, single submitter. Criteria: ACMG Guidelines, 2015. Collection method: clinical testing. Allele origin: germline.
Comment: The TTN c.79105G>A variant is predicted to result in the amino acid substitution p.Val26369Ile. To our knowledge, this variant has not been reported in the literature or in a large population database (gnomAD), indicating this variant is rare. At this time, the clinical significance of this variant is uncertain due to the absence of conclusive functional and genetic evidence.

Blueprint Genetics
Classification: Likely benign. Last evaluated: 2024-10-10. Review status: criteria provided, single submitter. Criteria: ACMG Guidelines, 2015. Collection method: clinical testing. Allele origin: germline.

Revvity Omics, Revvity
Classification: Uncertain significance. Last evaluated: 2019-06-17. Review status: criteria provided, single submitter. Criteria: ACMG Guidelines, 2015. Collection method: clinical testing. Allele origin: germline.

Labcorp Genetics (formerly Invitae), Labcorp
Classification: Uncertain significance for Dilated cardiomyopathy 1G; Autosomal recessive limb-girdle muscular dystrophy type 2J. Last evaluated: 2017-03-23. Review status: criteria provided, single submitter. Criteria: Invitae Variant Classification Sherloc (09022015). Collection method: clinical testing. Allele origin: germline.

NM_001267550.2(TTN):c.79105G>A (p.Val26369Ile)

Genes: TTN (titin; minus strand), TTN-AS1 (TTN antisense RNA 1; plus strand). Cytogenetic location: 2q31.2.
Variant type: single nucleotide variant.
Coding change: c.79105G>A on transcript NM_001267550.2 (MANE Select); coding-DNA position 79105, G replaced by A.
Protein change: p.Val26369Ile; replaces valine 26369 with isoleucine.
Molecular consequence: missense variant.
Genome position (GRCh38, 1-based): chr2:178,567,027, C>T on the plus strand (G>A on the coding strand, the complement: TTN is on the minus strand). VCF-style: chr2-178567027-C-T. GRCh37 (hg19) VCF-style: chr2-179431754-C-T.
Other names: c.74182G>A, p.Val24728Ile (NM_001256850.1); c.51910G>A, p.Val17304Ile (NM_003319.4); c.71401G>A, p.Val23801Ile (NM_133378.4); c.52285G>A, p.Val17429Ile (NM_133432.3); c.52486G>A, p.Val17496Ile (NM_133437.4); short protein forms V26369I, V24728I, V17429I, V17496I, V23801I, V17304I.
Identifiers: ClinVar variation 467519 (VCV000467519.8), dbSNP rs778729064, ClinGen allele CA1989522.
Genomic context (GRCh38, chr2:178,567,027, plus strand): 5'-GTCCAGGAAGCACAAATGGATTTTTCATTAGTACTGGTGCAGATTCCAAAGGCTCTCCAA[C>T]ACCATATTTGTTGACAGCCATTATACGGAAAACATATTCATTACCTTCTAAGAGTTTGGT-3'
Protein context (NP_001254479.2, residues 26359-26379): FRIMAVNKYG[Val26369Ile]GEPLESAPVL